The following is an entry in ClinVar:

NM_007315.4(STAT1):c.1582+6T>G

Gene: STAT1 (signal transducer and activator of transcription 1; minus strand). Cytogenetic location: 2q32.2.
Variant type: single nucleotide variant.
Coding change: c.1582+6T>G on transcript NM_007315.4 (MANE Select); 6 bases into the intron after coding-DNA position 1582, T replaced by G.
Molecular consequence: intron variant.
Genome position (GRCh38, 1-based): chr2:190,982,377, A>C on the plus strand (T>G on the coding strand, the complement: STAT1 is on the minus strand). VCF-style: chr2-190982377-A-C. GRCh37 (hg19) VCF-style: chr2-191847103-A-C.
Other names: c.1582+6T>G (NM_001437284.1, NM_001384889.1, NM_001384886.1 and 1 more transcripts); c.1492+6T>G (NM_001384890.1); c.1483+6T>G (NM_001384883.1); c.1423+6T>G (NM_001384885.1); c.1489+6T>G (NM_001384887.1); c.1522+6T>G (NM_001384880.1); c.1552+6T>G (NM_001384888.1); c.1576+6T>G (NM_001384882.1); and 2 more.
Identifiers: ClinVar variation 4688025 (VCV004688025.1).

ClinVar aggregate classification (germline): Likely benign (1 of 4 stars; one submission).

Conditions:
Immunodeficiency 31B. Also called: IMMUNODEFICIENCY 31B, MYCOBACTERIAL AND VIRAL INFECTIONS, AUTOSOMAL RECESSIVE; STAT1 DEFICIENCY, AUTOSOMAL RECESSIVE. Identifiers: Orphanet 391311, MedGen C3151088, MONDO:0013427, OMIM 613796.

Submission:

Centre for Medical Genetics,  Mumbai
Classification: Likely benign for Immunodeficiency 31B. Last evaluated: 2026-01-29. Review status: criteria provided, single submitter. Criteria: ACMG Guidelines, 2015. Collection method: provider interpretation. Allele origin: germline. Inheritance: Autosomal recessive inheritance. Affected: no. Observed: 1 homozygote.
Comment: The variant satisfies PM2 criteria; extremely low frequency in gnomAD population databases. However, the variant satisfies BS2 criteria since it is present in homozygous state in a patient that clinically does not have Immunodeficiency.

Literature cited by the submitters: PubMed 12590259.